The following is an entry in ClinVar:

NM_002230.4(JUP):c.2186A>T (p.Tyr729Phe)

Gene: JUP (junction plakoglobin; minus strand). Cytogenetic location: 17q21.2.
Variant type: single nucleotide variant.
Coding change: c.2186A>T on transcript NM_002230.4 (MANE Select); coding-DNA position 2186, A replaced by T.
Protein change: p.Tyr729Phe; replaces tyrosine 729 with phenylalanine.
Molecular consequence: missense variant.
Genome position (GRCh38, 1-based): chr17:41,755,796, T>A on the plus strand (A>T on the coding strand, the complement: JUP is on the minus strand). VCF-style: chr17-41755796-T-A. GRCh37 (hg19) VCF-style: chr17-39912048-T-A.
Other names: c.2186A>T, p.Tyr729Phe (NM_001352773.2, NM_001352774.2, NM_001352775.2 and 3 more transcripts); short protein forms Y729F.
Identifiers: ClinVar variation 3751691 (VCV003751691.2).

ClinVar aggregate classification (germline): Uncertain significance (1 of 4 stars; one submission).

Conditions:
Naxos disease (NXD). Also called: KERATOSIS PALMOPLANTARIS WITH ARRHYTHMOGENIC CARDIOMYOPATHY; MAL DE NAXOS; PALMOPLANTAR KERATODERMA WITH ARRHYTHMOGENIC RIGHT VENTRICULAR CARDIOMYOPATHY AND WOOLLY HAIR; WOOLLY HAIR, PALMOPLANTAR KERATODERMA, AND CARDIAC ABNORMALITIES; CARDIOMYOPATHY, ARRHYTHMOGENIC RIGHT VENTRICULAR, WITH SKIN, HAIR, AND NAIL ABNORMALITIES. Identifiers: Orphanet 34217, MedGen C1832600, MONDO:0011017, OMIM 601214.
Arrhythmogenic right ventricular dysplasia 12. Also called: ARRHYTHMOGENIC RIGHT VENTRICULAR DYSPLASIA, FAMILIAL, 12. Identifiers: MedGen C1969081, MONDO:0012684, OMIM 611528.

gnomAD v4.1: 9 of 1,612,836 alleles (0.00056%); highest among the groups gnomAD compares: Non-Finnish European, 0.00076%; no homozygotes.

Submission:

Labcorp Genetics (formerly Invitae), Labcorp
Classification: Uncertain significance for Arrhythmogenic right ventricular dysplasia 12; Naxos disease. Last evaluated: 2024-04-22. Review status: criteria provided, single submitter. Criteria: Invitae Variant Classification Sherloc (09022015). Collection method: clinical testing. Allele origin: germline.
Comment: This sequence change replaces tyrosine, which is neutral and polar, with phenylalanine, which is neutral and non-polar, at codon 729 of the JUP protein (p.Tyr729Phe). This variant is not present in population databases (gnomAD no frequency). This variant has not been reported in the literature in individuals affected with JUP-related conditions. An algorithm developed to predict the effect of missense changes on protein structure and function (PolyPhen-2) suggests that this variant is likely to be tolerated. In summary, the available evidence is currently insufficient to determine the role of this variant in disease. Therefore, it has been classified as a Variant of Uncertain Significance.